The following is an entry in ClinVar:

ClinVar aggregate classification (germline): not provided (0 of 4 stars; one submission).

Conditions:
Familial long QT syndrome (RWS). Also called: Congenital long QT syndrome; Romano-Ward syndrome; VENTRICULAR FIBRILLATION WITH PROLONGED QT INTERVAL. Identifiers: Orphanet 768, MedGen C1141890, MONDO:0019171.

Submission:

Cardiovascular Biomedical Research Unit, Royal Brompton & Harefield NHS Foundation Trust
No classification provided. Condition: Familial long QT syndrome. Review status: no classification provided. Collection method: literature only. Allele origin: germline.
Comment: This variant has been reported as associated with Long QT syndrome in the following publications (PMID:18441445). This is a literature report, and does not necessarily reflect the clinical interpretation of the Imperial College / Royal Brompton Cardiovascular Genetics laboratory.

Literature cited by the submitters: PubMed 18441445; PubMed 22581653.

NM_000238.4(KCNH2):c.157G>A (p.Gly53Ser)

Gene: KCNH2 (potassium voltage-gated channel subfamily H member 2; minus strand). Cytogenetic location: 7q36.1.
Variant type: single nucleotide variant.
Coding change: c.157G>A on transcript NM_000238.4 (MANE Select); coding-DNA position 157, G replaced by A.
Protein change: p.Gly53Ser; replaces glycine 53 with serine.
Molecular consequence: missense variant.
Genome position (GRCh38, 1-based): chr7:150,974,861, C>T on the plus strand (G>A on the coding strand, the complement: KCNH2 is on the minus strand). VCF-style: chr7-150974861-C-T. GRCh37 (hg19) VCF-style: chr7-150671949-C-T.
Other names: c.157G>A (LRG_288t1); c.-21G>A (NM_001406755.1); c.157G>A, p.Gly53Ser (NM_172056.3); short protein forms G53S.
Identifiers: ClinVar variation 67214 (VCV000067214.3), dbSNP rs199472842, ClinGen allele CA004823.